The following is an entry in ClinVar:

NM_022455.5(NSD1):c.4531C>A (p.Pro1511Thr)

Gene: NSD1 (nuclear receptor binding SET domain protein 1; plus strand). Cytogenetic location: 5q35.3.
Variant type: single nucleotide variant.
Coding change: c.4531C>A on transcript NM_022455.5 (MANE Select); coding-DNA position 4531, C replaced by A.
Protein change: p.Pro1511Thr; replaces proline 1511 with threonine.
Molecular consequence: missense variant.
Genome position (GRCh38, 1-based): chr5:177,248,214, C>A. VCF-style: chr5-177248214-C-A. GRCh37 (hg19) VCF-style: chr5-176675215-C-A.
Other names: c.3658C>A, p.Pro1220Thr (NM_001365684.2, NM_001409306.1, NM_001409307.1 and 3 more transcripts); c.4531C>A, p.Pro1511Thr (NM_001409301.1, NM_001409302.1, NM_001409303.1); c.4111C>A, p.Pro1371Thr (NM_001409304.1); c.3778C>A, p.Pro1260Thr (NM_001409305.1); short protein forms P1220T, P1260T, P1371T, P1511T.
Identifiers: ClinVar variation 2446593 (VCV002446593.1), dbSNP rs1766451673, ClinGen allele CA362349562.
Genomic context (GRCh38, chr5:177,248,214, plus strand): 5'-TGTGGGACATTATTTTTTCTTTGCAAGGGAGAACTAATGCCTCACAGGACGGCCACAAGC[C>A]CCAAGGAGACTGTTGAGGAAGGTGTAGAACACGATCCCGGGATGCCTGCCTCTAAAAAAA-3'
Protein context (NP_071900.2, residues 1501-1521): ELMPHRTATS[Pro1511Thr]KETVEEGVEH

ClinVar aggregate classification (germline): Uncertain significance (1 of 4 stars; one submission).

Allele frequency attached by ClinVar (database versions not stated): gnomAD 0.00001.
gnomAD v4.1: 2 of 1,613,956 alleles (0.00012%); highest among the groups gnomAD compares: South Asian, 0.0011%; no homozygotes.

Submission:

GeneDx
Classification: Uncertain significance. Last evaluated: 2022-10-03. Review status: criteria provided, single submitter. Criteria: GeneDx Variant Classification Process June 2021. Collection method: clinical testing. Allele origin: germline. Affected: yes.
Comment: Not observed at significant frequency in large population cohorts (gnomAD); In silico analysis supports that this missense variant does not alter protein structure/function; Has not been previously published as pathogenic or benign to our knowledge